The following is an entry in ClinVar:

NM_199420.4(POLQ):c.6130T>A (p.Tyr2044Asn)

Gene: POLQ (DNA polymerase theta; minus strand). Cytogenetic location: 3q13.33.
Variant type: single nucleotide variant.
Coding change: c.6130T>A on transcript NM_199420.4 (MANE Select); coding-DNA position 6130, T replaced by A.
Protein change: p.Tyr2044Asn; replaces tyrosine 2044 with asparagine.
Molecular consequence: missense variant.
Genome position (GRCh38, 1-based): chr3:121,481,653, A>T on the plus strand (T>A on the coding strand, the complement: POLQ is on the minus strand). VCF-style: chr3-121481653-A-T. GRCh37 (hg19) VCF-style: chr3-121200500-A-T.
Other names: short protein forms Y2044N.
Identifiers: ClinVar variation 2448952 (VCV002448952.2), dbSNP rs2047971722, ClinGen allele CA354087766.

ClinVar aggregate classification (germline): Uncertain significance (1 of 4 stars; one submission).

Submission:

Ambry Genetics
Classification: Uncertain significance. Last evaluated: 2022-12-23. Review status: criteria provided, single submitter. Criteria: Ambry Variant Classification Scheme 2023. Collection method: clinical testing. Allele origin: germline.
Comment: The p.Y2044N variant (also known as c.6130T>A), located in coding exon 19 of the POLQ gene, results from a T to A substitution at nucleotide position 6130. The tyrosine at codon 2044 is replaced by asparagine, an amino acid with dissimilar properties. This amino acid position is conserved. In addition, the in silico prediction for this alteration is inconclusive. Since supporting evidence is limited at this time, the clinical significance of this alteration remains unclear.